The following is an entry in ClinVar:

ClinVar aggregate classification (germline): Uncertain significance (1 of 4 stars; one submission).

Allele frequency attached by ClinVar (database versions not stated): gnomAD exomes below 0.00001; ExAC 0.00001.
gnomAD v4.1: 1 of 1,438,266 alleles (0.00007%); highest among the groups gnomAD compares: African/African-American, 0.0016%; no homozygotes.

Submission:

GeneDx
Classification: Uncertain significance. Last evaluated: 2021-12-04. Review status: criteria provided, single submitter. Criteria: GeneDx Variant Classification Process June 2021. Collection method: clinical testing. Allele origin: germline. Affected: yes.
Comment: In silico analysis supports that this missense variant does not alter protein structure/function; Has not been previously published as pathogenic or benign to our knowledge

NM_001348716.2(KDM6B):c.1616A>T (p.Asp539Val)

Gene: KDM6B (lysine demethylase 6B; plus strand). Cytogenetic location: 17p13.1.
Variant type: single nucleotide variant.
Coding change: c.1616A>T on transcript NM_001348716.2 (MANE Select); coding-DNA position 1616, A replaced by T.
Protein change: p.Asp539Val; replaces aspartic acid 539 with valine.
Molecular consequence: missense variant.
Genome position (GRCh38, 1-based): chr17:7,847,904, A>T. VCF-style: chr17-7847904-A-T. GRCh37 (hg19) VCF-style: chr17-7751222-A-T.
Other names: c.1616A>T, p.Asp539Val (NM_001080424.2); short protein forms D539V.
Identifiers: ClinVar variation 1328876 (VCV001328876.2), dbSNP rs752236028, ClinGen allele CA8360695.